The following is an entry in ClinVar:

ClinVar aggregate classification (germline): Pathogenic (1 of 4 stars; one submission).

Conditions:
Retinitis pigmentosa 59 (RP59). Identifiers: Orphanet 791, MedGen C3151227, MONDO:0013468, OMIM 613861.

Submission:

Myriad Genetics, Inc.
Classification: Pathogenic for Retinitis pigmentosa 59. Last evaluated: 2024-05-14. Review status: criteria provided, single submitter. Criteria: Myriad Autosomal Dominant, Autosomal Recessive and X-Linked Classification Criteria (2023). Collection method: clinical testing. Allele origin: unknown.
Comment: NM_024887.3(DHDDS):c.125dupA(C43Vfs*18) is expected to be pathogenic in the context of retinitis pigmentosa, DHDDS-related. This variant is predicted to lead to an abnormal or absent protein product due to the creation of a premature termination codon in DHDDS, a gene where loss-of-function variants are known to be pathogenic. Please note: this variant was assessed in the context of healthy population screening.

NM_205861.3(DHDDS):c.125dup (p.Cys43fs)

Gene: DHDDS (dehydrodolichyl diphosphate synthase subunit; plus strand). Cytogenetic location: 1p36.11.
Variant type: Duplication.
Coding change: c.125dup on transcript NM_205861.3 (MANE Select); coding-DNA position 125, one base duplicated (A; older notation c.125dupA).
Protein change: p.Cys43fs; shifts the reading frame from cysteine 43.
Molecular consequence: frameshift variant. On other transcripts: 5 prime UTR variant (1).
Genome position (GRCh38, 1-based): chr1:26,438,229, A duplicated; the last of 2 consecutive A bases (chr1:26,438,228-26,438,229); duplicating either gives the same sequence. VCF-style (leftmost placement, unchanged base first): chr1-26438227-G-GA. GRCh37 (hg19) VCF-style: chr1-26764718-G-GA.
Other names: c.125dup, p.Cys43fs (NM_001243564.2, NM_001243565.2, NM_024887.4); c.-178dup (NM_001319959.2); short protein forms C43fs.
Identifiers: ClinVar variation 5014759 (VCV005014759.1).